The following is an entry in ClinVar:

NM_005051.3(QARS1):c.1229A>G (p.Asp410Gly)

Gene: QARS1 (glutaminyl-tRNA synthetase 1; minus strand). Cytogenetic location: 3p21.31.
Variant type: single nucleotide variant.
Coding change: c.1229A>G on transcript NM_005051.3 (MANE Select); coding-DNA position 1229, A replaced by G.
Protein change: p.Asp410Gly; replaces aspartic acid 410 with glycine.
Molecular consequence: missense variant. On other transcripts: non-coding transcript variant (1).
Genome position (GRCh38, 1-based): chr3:49,100,027, T>C on the plus strand (A>G on the coding strand, the complement: QARS1 is on the minus strand). VCF-style: chr3-49100027-T-C. GRCh37 (hg19) VCF-style: chr3-49137460-T-C.
Other names: c.1196A>G, p.Asp399Gly (NM_001272073.2); short protein forms D399G, D410G.
Identifiers: ClinVar variation 1473811 (VCV001473811.8), dbSNP rs2107102098, ClinGen allele CA352708996.

ClinVar aggregate classification (germline): Uncertain significance (1 of 4 stars; one submission).

Conditions:
Diffuse cerebral and cerebellar atrophy - intractable seizures - progressive microcephaly syndrome. Also called: Microcephaly, progressive, with seizures and cerebral and cerebellar atrophy. Identifiers: Orphanet 404437, MedGen C4014239, MONDO:0014335, OMIM 615760.

Submission:

Labcorp Genetics (formerly Invitae), Labcorp
Classification: Uncertain significance for Diffuse cerebral and cerebellar atrophy - intractable seizures - progressive microcephaly syndrome. Last evaluated: 2021-08-27. Review status: criteria provided, single submitter. Criteria: Invitae Variant Classification Sherloc (09022015). Collection method: clinical testing. Allele origin: germline.
Comment: In summary, the available evidence is currently insufficient to determine the role of this variant in disease. Therefore, it has been classified as a Variant of Uncertain Significance. Algorithms developed to predict the effect of missense changes on protein structure and function are either unavailable or do not agree on the potential impact of this missense change (SIFT: "Deleterious"; PolyPhen-2: "Probably Damaging"; Align-GVGD: "Class C0"). This variant has not been reported in the literature in individuals with QARS-related conditions. This variant is not present in population databases (ExAC no frequency). This sequence change replaces aspartic acid with glycine at codon 410 of the QARS protein (p.Asp410Gly). The aspartic acid residue is moderately conserved and there is a moderate physicochemical difference between aspartic acid and glycine.